The following is an entry in ClinVar:

ClinVar aggregate classification (germline): Likely benign. Review status: criteria provided, multiple submitters, no conflicts (2 of 4 stars). 3 submissions from 3 submitters: Likely benign (3). Last evaluated 2026-04-01.

Conditions:
Hereditary spastic paraplegia 39 (SPG39). Also called: SPASTIC PARAPLEGIA 39, AUTOSOMAL RECESSIVE; Spastic Paraplegia Type 39 (SPG39). Identifiers: Orphanet 139480, MedGen C2677586, MONDO:0012787, OMIM 612020.

Allele frequency attached by ClinVar (database versions not stated): gnomAD 0.00001; TOPMed 0.00003; gnomAD exomes 0.00006 and 0.00010; ExAC 0.00008.
gnomAD v4.1: 84 of 1,610,356 alleles (0.0052%); highest among the groups gnomAD compares: Admixed American, 0.047%; no homozygotes.

Submissions (3):

CeGaT Center for Human Genetics Tuebingen
Classification: Likely benign. Last evaluated: 2026-04-01. Review status: criteria provided, single submitter. Criteria: CeGaT Center For Human Genetics Tuebingen Variant Classification Criteria Version 2. Collection method: clinical testing. Allele origin: germline. Affected: yes. Observed: 3 variant alleles.
Comment: PNPLA6: BP4, BP7

Labcorp Genetics (formerly Invitae), Labcorp
Classification: Likely benign for Hereditary spastic paraplegia 39. Last evaluated: 2024-11-04. Review status: criteria provided, single submitter. Criteria: Invitae Variant Classification Sherloc (09022015). Collection method: clinical testing. Allele origin: germline.

Blueprint Genetics
Classification: Likely benign. Last evaluated: 2022-09-15. Review status: criteria provided, single submitter. Criteria: ACMG Guidelines, 2015. Collection method: clinical testing. Allele origin: germline.

NM_001166114.2(PNPLA6):c.3303C>T (p.Arg1101=)

Gene: PNPLA6 (patatin like domain 6, lysophospholipase; plus strand). Cytogenetic location: 19p13.2.
Variant type: single nucleotide variant.
Coding change: c.3303C>T on transcript NM_001166114.2 (MANE Select); coding-DNA position 3303, C replaced by T.
Protein change: p.Arg1101=; no amino-acid change (arginine 1101 retained).
Molecular consequence: synonymous variant.
Genome position (GRCh38, 1-based): chr19:7,557,190, C>T. VCF-style: chr19-7557190-C-T. GRCh37 (hg19) VCF-style: chr19-7622076-C-T.
Other names: c.3333C>T, p.Arg1111= (NM_001166111.2); c.3108C>T, p.Arg1036= (NM_001166112.2); c.3189C>T, p.Arg1063= (NM_001166113.1, NM_006702.5).
Identifiers: ClinVar variation 1085718 (VCV001085718.40), dbSNP rs752861684, ClinGen allele CA9140424.